The following is an entry in ClinVar:

NM_015100.4(POGZ):c.3048G>T (p.Glu1016Asp)

Gene: POGZ (pogo transposable element derived with ZNF domain; minus strand). Cytogenetic location: 1q21.3.
Variant type: single nucleotide variant.
Coding change: c.3048G>T on transcript NM_015100.4 (MANE Select); coding-DNA position 3048, G replaced by T.
Protein change: p.Glu1016Asp; replaces glutamic acid 1016 with aspartic acid.
Molecular consequence: missense variant.
Genome position (GRCh38, 1-based): chr1:151,405,987, C>A on the plus strand (G>T on the coding strand, the complement: POGZ is on the minus strand). VCF-style: chr1-151405987-C-A. GRCh37 (hg19) VCF-style: chr1-151378463-C-A.
Other names: c.3021G>T, p.Glu1007Asp (NM_001194937.2); c.2862G>T, p.Glu954Asp (NM_001194938.2); c.2763G>T, p.Glu921Asp (NM_145796.4); c.2889G>T, p.Glu963Asp (NM_207171.2); short protein forms E1007D, E1016D, E921D, E954D, E963D.
Identifiers: ClinVar variation 996684 (VCV000996684.2), dbSNP rs1653514334, ClinGen allele CA341946267.

ClinVar aggregate classification (germline): Uncertain significance. Review status: criteria provided, single submitter (1 of 4 stars). 2 submissions from 2 submitters: Uncertain significance (1). 1 of the submissions does not count toward it. Last evaluated 2025-02-18.

Conditions:
Intellectual disability-microcephaly-strabismus-behavioral abnormalities syndrome. Also called: White-Sutton Syndrome. Identifiers: Orphanet 468678, MedGen C4225351, MONDO:0014606, OMIM 616364.
Autism spectrum disorder. Also called: Autism spectrum disorders. Identifiers: MedGen C1510586, MeSH D000067877, MONDO:0005258.

Submissions (2):

3billion
Classification: Uncertain significance for Intellectual disability-microcephaly-strabismus-behavioral abnormalities syndrome. Last evaluated: 2025-02-18. Review status: criteria provided, single submitter. Criteria: ACMG Guidelines, 2015. Collection method: clinical testing. Allele origin: germline. Affected: yes.
Comment: The variant is not observed in the gnomAD v4.1.0 dataset. Predicted Consequence/Location: Missense variant Damaging effect on gene or gene product predicted by in silico programs is uncertain [3Cnet: 0.73 (damaging >=0.75, benign <0.15)]. The same nucleotide change resulting in the same amino acid change has been previously reported to be associated with POGZ-related disorder (ClinVar ID: VCV000996684, PMID: 30504930). However, the evidence of pathogenicity is insufficient at this time. Therefore, this variant is classified as VUS according to the recommendation of ACMG/AMP guideline.

University of Washington Center for Mendelian Genomics, University of Washington
Classification: Likely pathogenic for Autism spectrum disorder. Review status: no assertion criteria provided. Collection method: research. Allele origin: de novo. Affected: yes. Not counted in ClinVar's aggregate classification.

Literature cited by the submitters: PubMed 30504930 (cited by University of Washington Center for Mendelian Genomics, University of Washington).